The following is an entry in ClinVar:

ClinVar aggregate classification (germline): Uncertain significance. Review status: criteria provided, multiple submitters, no conflicts (2 of 4 stars). 2 submissions from 2 submitters: Uncertain significance (2). Last evaluated 2025-11-24.

Conditions:
Inborn genetic diseases. Identifiers: MedGen C0950123, MeSH D030342.

Submissions (2):

Ambry Genetics
Classification: Uncertain significance for Inborn genetic diseases. Last evaluated: 2025-11-24. Review status: criteria provided, single submitter. Criteria: Ambry Variant Classification Scheme 2023. Collection method: clinical testing. Allele origin: germline.

Laboratorio de Genetica e Diagnostico Molecular, Hospital Israelita Albert Einstein
Classification: Uncertain significance. Last evaluated: 2022-02-03. Review status: criteria provided, single submitter. Criteria: ACMG Guidelines, 2015. Collection method: clinical testing. Allele origin: germline. Affected: yes.
Comment: ACMG classification criteria: PM2

NM_206926.2(SELENON):c.659G>C (p.Arg220Pro)

Gene: SELENON (selenoprotein N; plus strand). Cytogenetic location: 1p36.11.
Variant type: single nucleotide variant.
Coding change: c.659G>C on transcript NM_206926.2 (MANE Select); coding-DNA position 659, G replaced by C.
Protein change: p.Arg220Pro; replaces arginine 220 with proline.
Molecular consequence: missense variant.
Genome position (GRCh38, 1-based): chr1:25,809,039, G>C. VCF-style: chr1-25809039-G-C. GRCh37 (hg19) VCF-style: chr1-26135530-G-C.
Other names: c.761G>C, p.Arg254Pro (NM_020451.3); c.761G>C (NM_020451.2); short protein forms R220P, R254P.
Identifiers: ClinVar variation 1690559 (VCV001690559.3), dbSNP rs779808108, ClinGen allele CA339113411.
Genomic context (GRCh38, chr1:25,809,039, plus strand): 5'-GCCCAGCGGGACCCAGCAAGCCAGTACGTGCCTCCCGCCGCCCCCAGGTCATCATCCACC[G>C]GCTCCTGAGCATGTTCCACCCTCGGCCCTTTGTGAAGACCCGCTTTGCCCCTCAGGGAGC-3'
Protein context (NP_996809.1, residues 210-230): PPKGKEVIIH[Arg220Pro]LLSMFHPRPF